The following is an entry in ClinVar:

NM_000342.4(SLC4A1):c.2717A>T (p.Glu906Val)

Gene: SLC4A1 (solute carrier family 4 member 1 (Diego blood group); minus strand). Cytogenetic location: 17q21.31.
Variant type: single nucleotide variant.
Coding change: c.2717A>T on transcript NM_000342.4 (MANE Select); coding-DNA position 2717, A replaced by T.
Protein change: p.Glu906Val; replaces glutamic acid 906 with valine.
Molecular consequence: missense variant.
Genome position (GRCh38, 1-based): chr17:44,250,477, T>A on the plus strand (A>T on the coding strand, the complement: SLC4A1 is on the minus strand). VCF-style: chr17-44250477-T-A. GRCh37 (hg19) VCF-style: chr17-42327845-T-A.
Other names: short protein forms E906V.
Identifiers: ClinVar variation 2090010 (VCV002090010.4), dbSNP rs2509957426, ClinGen allele CA399778911.
Genomic context (GRCh38, chr17:44,250,477, plus strand): 5'-TGTGGAATGGTGGGGGAGGGTCTAGGGCCTGGGCCCGCCCCTCACACAGGCATGGCCACT[T>A]CGTCGTATTCATCCCGACCTTCCTCCTCATCAAAGGTTGCCTTGGCATCATCAGCATCCA-3'
Protein context (NP_000333.1, residues 896-911): DEEEGRDEYD[Glu906Val]VAMPV

ClinVar aggregate classification (germline): Uncertain significance (1 of 4 stars; one submission).

Submission:

Labcorp Genetics (formerly Invitae), Labcorp
Classification: Uncertain significance. Last evaluated: 2023-12-22. Review status: criteria provided, single submitter. Criteria: Invitae Variant Classification Sherloc (09022015). Collection method: clinical testing. Allele origin: germline.
Comment: This sequence change replaces glutamic acid, which is acidic and polar, with valine, which is neutral and non-polar, at codon 906 of the SLC4A1 protein (p.Glu906Val). This variant is not present in population databases (gnomAD no frequency). This variant has not been reported in the literature in individuals affected with SLC4A1-related conditions. ClinVar contains an entry for this variant (Variation ID: 2090010). Advanced modeling of protein sequence and biophysical properties (such as structural, functional, and spatial information, amino acid conservation, physicochemical variation, residue mobility, and thermodynamic stability) has been performed at Invitae for this missense variant, however the output from this modeling did not meet the statistical confidence thresholds required to predict the impact of this variant on SLC4A1 protein function. In summary, the available evidence is currently insufficient to determine the role of this variant in disease. Therefore, it has been classified as a Variant of Uncertain Significance.